The following is an entry in ClinVar:

NM_025132.4(WDR19):c.3008A>G (p.Glu1003Gly)

Gene: WDR19 (WD repeat domain 19; plus strand). Cytogenetic location: 4p14.
Variant type: single nucleotide variant.
Coding change: c.3008A>G on transcript NM_025132.4 (MANE Select); coding-DNA position 3008, A replaced by G.
Protein change: p.Glu1003Gly; replaces glutamic acid 1003 with glycine.
Molecular consequence: missense variant.
Genome position (GRCh38, 1-based): chr4:39,255,854, A>G. VCF-style: chr4-39255854-A-G. GRCh37 (hg19) VCF-style: chr4-39257474-A-G.
Other names: p.Glu1003Gly; c.2528A>G, p.Glu843Gly (NM_001317924.2); short protein forms E1003G, E843G.
Identifiers: ClinVar variation 437272 (VCV000437272.65), dbSNP rs201354264, ClinGen allele CA2892240.

ClinVar aggregate classification (germline): Conflicting classifications of pathogenicity. Review status: criteria provided, conflicting classifications (1 of 4 stars). 11 submissions from 10 submitters: Uncertain significance (2); Likely benign (8). 1 of the submissions does not count toward it. Last evaluated 2026-01-22.

Conditions:
Senior-Loken syndrome 8 (SLSN8). Identifiers: Orphanet 3156, MedGen C4225376, MONDO:0014579, OMIM 616307.
Spermatogenic failure 72 (SPGF72). Identifiers: MedGen C5676980, MONDO:0030809, OMIM 619867.
Asphyxiating thoracic dystrophy 5 (SRTD5). Also called: SHORT-RIB THORACIC DYSPLASIA 5 WITH OR WITHOUT POLYDACTYLY; SHORT-RIB THORACIC DYSPLASIA 5 WITHOUT POLYDACTYLY. Identifiers: Orphanet 474, MedGen C3280598, MONDO:0013717, OMIM 614376.
Nephronophthisis 13 (NPHP13). Identifiers: Orphanet 655, MedGen C3280612, MONDO:0013718, OMIM 614377.
Cranioectodermal dysplasia 4 (CED4). Identifiers: Orphanet 1515, MedGen C3280616, MONDO:0013719, OMIM 614378.
WDR19-related disorder. Also called: WDR19-related condition; WDR19-related disorders. Identifiers: MedGen CN380161.
Connective tissue disorder. Also called: Connective tissue disease. Identifiers: MedGen C0009782, MONDO:0003900.

Allele frequency attached by ClinVar (database versions not stated): ESP Exome Variant Server 0.00042; gnomAD 0.00056 and 0.00065; TOPMed 0.00069; 1000 Genomes Project 30x 0.00078; 1000 Genomes Project 0.00080; gnomAD exomes 0.00097 and 0.00117; ExAC 0.00253.
gnomAD v4.1: 1,518 of 1,583,332 alleles (0.096%); highest among the groups gnomAD compares: Middle Eastern, 0.7%; 10 homozygotes.

Submissions (11):

Labcorp Genetics (formerly Invitae), Labcorp
Classification: Likely benign for Senior-Loken syndrome 8; Asphyxiating thoracic dystrophy 5. Last evaluated: 2026-01-22. Review status: criteria provided, single submitter. Criteria: Invitae Variant Classification Sherloc (09022015). Collection method: clinical testing. Allele origin: germline.

Mayo Clinic Laboratories, Mayo Clinic
Classification: Likely benign. Last evaluated: 2025-03-13. Review status: criteria provided, single submitter. Criteria: ACMG Guidelines, 2015. Collection method: clinical testing. Allele origin: germline. Observed: 1 variant allele.
Comment: BS1, BP4_moderate

Blueprint Genetics
Classification: Likely benign. Last evaluated: 2024-11-20. Review status: criteria provided, single submitter. Criteria: ACMG Guidelines, 2015. Collection method: clinical testing. Allele origin: germline.

CeGaT Center for Human Genetics Tuebingen
Classification: Likely benign. Last evaluated: 2022-05-01. Review status: criteria provided, single submitter. Criteria: CeGaT Center For Human Genetics Tuebingen Variant Classification Criteria Version 2. Collection method: clinical testing. Allele origin: germline. Affected: yes. Observed: 2 variant alleles.
Comment: WDR19: BS2

Genome Diagnostics Laboratory, The Hospital for Sick Children
Classification: Uncertain significance for Connective tissue disorder. Last evaluated: 2022-04-28. Review status: criteria provided, single submitter. Criteria: ACMG Guidelines, 2015. Collection method: clinical testing. Allele origin: germline.

Department of Pathology and Laboratory Medicine, Sinai Health System
Classification: Likely benign for Asphyxiating thoracic dystrophy 5; Nephronophthisis 13; Cranioectodermal dysplasia 4; Senior-Loken syndrome 8; Spermatogenic failure 72. Last evaluated: 2020-08-20. Review status: criteria provided, single submitter. Criteria: ACMG Guidelines, 2015. Collection method: research. Allele origin: germline.

ARUP Laboratories, Molecular Genetics and Genomics, ARUP Laboratories
Classification: Likely benign. Last evaluated: 2020-03-17. Review status: criteria provided, single submitter. Criteria: ARUP Molecular Germline Variant Investigation Process. Collection method: clinical testing. Allele origin: germline.

Illumina Laboratory Services, Illumina
Classification: Likely benign for Cranioectodermal dysplasia 4. Last evaluated: 2018-01-12. Review status: criteria provided, single submitter. Criteria: ICSL Variant Classification Criteria 13 December 2019. Collection method: clinical testing. Allele origin: germline.
Comment: This variant was observed in the ICSL laboratory as part of a predisposition screen in an ostensibly healthy population. It had not been previously curated by ICSL or reported in the Human Gene Mutation Database (HGMD: prior to June 1st, 2018), and was therefore a candidate for classification through an automated scoring system. Utilizing variant allele frequency, disease prevalence and penetrance estimates, and inheritance mode, an automated score was calculated to assess if this variant is too frequent to cause the disease. Based on the score and internal cut-off values, a variant classified as likely benign is not then subjected to further curation. The score for this variant resulted in a classification of likely benign for this disease.

Illumina Laboratory Services, Illumina
Classification: Likely benign for Asphyxiating thoracic dystrophy 5. Last evaluated: 2018-01-12. Review status: criteria provided, single submitter. Criteria: ICSL Variant Classification Criteria 13 December 2019. Collection method: clinical testing. Allele origin: germline.
Comment: the same text as in the submission from Illumina Laboratory Services, Illumina above.

Genetic Services Laboratory, University of Chicago
Classification: Uncertain significance. Last evaluated: 2016-09-14. Review status: criteria provided, single submitter. Criteria: ACMG Guidelines, 2015. Collection method: clinical testing. Allele origin: germline. Affected: no.

PreventionGenetics, part of Exact Sciences
Classification: Likely benign for WDR19-related condition. Last evaluated: 2022-02-10. Review status: no assertion criteria provided. Collection method: clinical testing. Allele origin: germline. Not counted in ClinVar's aggregate classification.
Comment: This variant is classified as likely benign based on ACMG/AMP sequence variant interpretation guidelines (Richards et al. 2015 PMID: 25741868, with internal and published modifications).